The following is an entry in ClinVar:

NM_005188.4(CBL):c.2564C>T (p.Pro855Leu)

Gene: CBL (Cbl proto-oncogene; plus strand). Cytogenetic location: 11q23.3.
Variant type: single nucleotide variant.
Coding change: c.2564C>T on transcript NM_005188.4 (MANE Select); coding-DNA position 2564, C replaced by T.
Protein change: p.Pro855Leu; replaces proline 855 with leucine.
Molecular consequence: missense variant.
Genome position (GRCh38, 1-based): chr11:119,299,624, C>T. VCF-style: chr11-119299624-C-T. GRCh37 (hg19) VCF-style: chr11-119170334-C-T.
Other names: short protein forms P855L.
Identifiers: ClinVar variation 3485632 (VCV003485632.1).

ClinVar aggregate classification (germline): Uncertain significance (1 of 4 stars; one submission).

Conditions:
Cardiovascular phenotype. Identifiers: MedGen CN230736.

gnomAD v4.1: 3 of 1,614,204 alleles (0.00019%); highest among the groups gnomAD compares: South Asian, 0.0022%; no homozygotes.

Submission:

Ambry Genetics
Classification: Uncertain significance for Cardiovascular phenotype. Last evaluated: 2024-12-07. Review status: criteria provided, single submitter. Criteria: Ambry Variant Classification Scheme 2023. Collection method: clinical testing. Allele origin: germline.
Comment: The p.P855L variant (also known as c.2564C>T), located in coding exon 16 of the CBL gene, results from a C to T substitution at nucleotide position 2564. The proline at codon 855 is replaced by leucine, an amino acid with similar properties. This amino acid position is conserved. In addition, this alteration is predicted to be tolerated by in silico analysis. Based on the available evidence, the clinical significance of this variant remains unclear.